The following is an entry in ClinVar:

NM_024642.5(GALNT12):c.878G>C (p.Arg293Thr)

Gene: GALNT12 (polypeptide N-acetylgalactosaminyltransferase 12; plus strand). Cytogenetic location: 9q22.33.
Variant type: single nucleotide variant.
Coding change: c.878G>C on transcript NM_024642.5 (MANE Select); coding-DNA position 878, G replaced by C.
Protein change: p.Arg293Thr; replaces arginine 293 with threonine.
Molecular consequence: missense variant.
Genome position (GRCh38, 1-based): chr9:98,831,918, G>C. VCF-style: chr9-98831918-G-C. GRCh37 (hg19) VCF-style: chr9-101594200-G-C.
Other names: short protein forms R293T.
Identifiers: ClinVar variation 4670629 (VCV004670629.1).
Genomic context (GRCh38, chr9:98,831,918, plus strand): 5'-AGCCCCAGATCGGCGGTTTCGACTGGAGGCTGGTGTTCACGTGGCACACAGTTCCTGAGA[G>C]GGAGAGGATACGGATGCAATCCCCCGTCGATGTCATCAGGTCAGGAGCTGACTTCTGGGT-3'
Protein context (NP_078918.3, residues 283-303): LVFTWHTVPE[Arg293Thr]ERIRMQSPVD

ClinVar aggregate classification (germline): Uncertain significance (1 of 4 stars; one submission).

Submission:

Ambry Genetics
Classification: Uncertain significance. Last evaluated: 2025-11-11. Review status: criteria provided, single submitter. Criteria: Ambry Variant Classification Scheme 2023. Collection method: clinical testing. Allele origin: germline.
Comment: The p.R293T variant (also known as c.878G>C), located in coding exon 4 of the GALNT12 gene, results from a G to C substitution at nucleotide position 878. The arginine at codon 293 is replaced by threonine, an amino acid with similar properties. This amino acid position is conserved. In addition, this alteration is predicted to be tolerated by in silico analysis. Based on the available evidence, the clinical significance of this variant remains unclear.